The following is an entry in ClinVar:

NM_006949.4(STXBP2):c.429+5G>C

Gene: STXBP2 (syntaxin binding protein 2; plus strand). Cytogenetic location: 19p13.2.
Variant type: single nucleotide variant.
Coding change: c.429+5G>C on transcript NM_006949.4 (MANE Select); 5 bases into the intron after coding-DNA position 429, G replaced by C.
Molecular consequence: intron variant.
Genome position (GRCh38, 1-based): chr19:7,641,008, G>C. VCF-style: chr19-7641008-G-C. GRCh37 (hg19) VCF-style: chr19-7705894-G-C.
Other names: c.462+5G>C (NM_001272034.2); c.420+5G>C (NM_001127396.3).
Identifiers: ClinVar variation 1903940 (VCV001903940.3), dbSNP rs778509701, ClinGen allele CA403157790.

ClinVar aggregate classification (germline): Uncertain significance (1 of 4 stars; one submission).

Conditions:
Familial hemophagocytic lymphohistiocytosis 5. Also called: STXBP2-Related Familial Hemophagocytic Lymphohistiocytosis (STXBP2-fHLH). Identifiers: Orphanet 540, MedGen C2751293, MONDO:0013135, OMIM 613101.

gnomAD v4.1: 1 of 1,613,938 alleles (0.000062%); highest among the groups gnomAD compares: Non-Finnish European, 0.000085%; no homozygotes.

Submission:

Labcorp Genetics (formerly Invitae), Labcorp
Classification: Uncertain significance for Familial hemophagocytic lymphohistiocytosis 5. Last evaluated: 2022-08-10. Review status: criteria provided, single submitter. Criteria: Invitae Variant Classification Sherloc (09022015). Collection method: clinical testing. Allele origin: germline.
Comment: In summary, the available evidence is currently insufficient to determine the role of this variant in disease. Therefore, it has been classified as a Variant of Uncertain Significance. Variants that disrupt the consensus splice site are a relatively common cause of aberrant splicing (PMID: 17576681, 9536098). Algorithms developed to predict the effect of sequence changes on RNA splicing suggest that this variant is not likely to affect RNA splicing. This variant has not been reported in the literature in individuals affected with STXBP2-related conditions. This variant is not present in population databases (gnomAD no frequency). This sequence change falls in intron 6 of the STXBP2 gene. It does not directly change the encoded amino acid sequence of the STXBP2 protein. It affects a nucleotide within the consensus splice site.

Literature cited by the submitters: PubMed 17576681; PubMed 9536098.